The following is an entry in ClinVar:

NM_024577.4(SH3TC2):c.2528G>A (p.Gly843Glu)

Gene: SH3TC2 (SH3 domain and tetratricopeptide repeats 2; minus strand). Cytogenetic location: 5q32.
Variant type: single nucleotide variant.
Coding change: c.2528G>A on transcript NM_024577.4 (MANE Select); coding-DNA position 2528, G replaced by A.
Protein change: p.Gly843Glu; replaces glycine 843 with glutamic acid.
Molecular consequence: missense variant.
Genome position (GRCh38, 1-based): chr5:149,027,204, C>T on the plus strand (G>A on the coding strand, the complement: SH3TC2 is on the minus strand). VCF-style: chr5-149027204-C-T. GRCh37 (hg19) VCF-style: chr5-148406767-C-T.
Other names: short protein forms G843E.
Identifiers: ClinVar variation 543347 (VCV000543347.9), dbSNP rs1463859150, ClinGen allele CA361666182.

ClinVar aggregate classification (germline): Uncertain significance. Review status: criteria provided, multiple submitters, no conflicts (2 of 4 stars). 2 submissions from 2 submitters: Uncertain significance (2). Last evaluated 2026-04-10.

Conditions:
Charcot-Marie-Tooth disease type 4. Also called: Charcot-Marie-Tooth disease, type IV; Charcot-Marie-Tooth, Type 4. Identifiers: Orphanet 64749, MedGen C4082197, MONDO:0018995.

Allele frequency attached by ClinVar (database versions not stated): gnomAD 0.00001; TOPMed 0.00001.
gnomAD v4.1: 3 of 1,614,096 alleles (0.00019%); highest among the groups gnomAD compares: Non-Finnish European, 0.00025%; no homozygotes.

Submissions (2):

Women's Health and Genetics/Laboratory Corporation of America, LabCorp
Classification: Uncertain significance. Last evaluated: 2026-04-10. Review status: criteria provided, single submitter. Criteria: LabCorp Variant Classification Summary - May 2015. Collection method: clinical testing. Allele origin: germline.
Comment: Variant summary: SH3TC2 c.2528G>A (p.Gly843Glu) results in a non-conservative amino acid change in the encoded protein sequence. Algorithms developed to predict the effect of missense changes on protein structure and function all suggest that this variant is likely to be disruptive. The variant was absent in 251128 control chromosomes (gnomAD). The available data on variant occurrences in the general population are insufficient to allow any conclusion about variant significance. To our knowledge, no occurrence of c.2528G>A in individuals affected with SH3TC2-related conditions and no experimental evidence demonstrating its impact on protein function have been reported. A different variant affecting the same codon has been classified as pathogenic by our lab (c.2528G>T, p.Gly843Val), supporting the critical relevance of codon 843 to SH3TC2 protein function. ClinVar contains an entry for this variant (Variation ID: 543347). Based on the evidence outlined above, the variant was classified as uncertain significance.

Labcorp Genetics (formerly Invitae), Labcorp
Classification: Uncertain significance for Charcot-Marie-Tooth disease type 4. Last evaluated: 2022-10-05. Review status: criteria provided, single submitter. Criteria: Invitae Variant Classification Sherloc (09022015). Collection method: clinical testing. Allele origin: germline.
Comment: This sequence change replaces glycine, which is neutral and non-polar, with glutamic acid, which is acidic and polar, at codon 843 of the SH3TC2 protein (p.Gly843Glu). This variant is not present in population databases (gnomAD no frequency). This variant has not been reported in the literature in individuals affected with SH3TC2-related conditions. ClinVar contains an entry for this variant (Variation ID: 543347). Advanced modeling of protein sequence and biophysical properties (such as structural, functional, and spatial information, amino acid conservation, physicochemical variation, residue mobility, and thermodynamic stability) performed at Invitae indicates that this missense variant is not expected to disrupt SH3TC2 protein function. This variant disrupts the p.Gly843 amino acid residue in SH3TC2. Other variant(s) that disrupt this residue have been determined to be pathogenic (PMID: 25614874, 32376792; Invitae). This suggests that this residue is clinically significant, and that variants that disrupt this residue are likely to be disease-causing. In summary, the available evidence is currently insufficient to determine the role of this variant in disease. Therefore, it has been classified as a Variant of Uncertain Significance.

Literature cited by the submitters: PubMed 25614874 (cited by Labcorp Genetics (formerly Invitae), Labcorp); PubMed 32376792 (cited by Labcorp Genetics (formerly Invitae), Labcorp).